The following is an entry in ClinVar:

ClinVar aggregate classification (germline): Uncertain significance (1 of 4 stars; one submission).

Conditions:
Hereditary pheochromocytoma and paraganglioma. Also called: Hereditary paragangliomas and pheochromocytomas; Hereditary Paraganglioma-Pheochromocytoma Syndromes; Hereditary pheochromocytoma-paraganglioma. Identifiers: Orphanet 29072, MedGen C4274332, MONDO:0017366.

Submission:

Labcorp Genetics (formerly Invitae), Labcorp
Classification: Uncertain significance for Hereditary pheochromocytoma and paraganglioma. Last evaluated: 2024-11-20. Review status: criteria provided, single submitter. Criteria: Invitae Variant Classification Sherloc (09022015). Collection method: clinical testing. Allele origin: germline.
Comment: This sequence change replaces alanine, which is neutral and non-polar, with valine, which is neutral and non-polar, at codon 183 of the TMEM127 protein (p.Ala183Val). This variant is not present in population databases (gnomAD no frequency). This variant has not been reported in the literature in individuals affected with TMEM127-related conditions. An algorithm developed to predict the effect of missense changes on protein structure and function (PolyPhen-2) suggests that this variant is likely to be disruptive. In summary, the available evidence is currently insufficient to determine the role of this variant in disease. Therefore, it has been classified as a Variant of Uncertain Significance.

NM_017849.4(TMEM127):c.548C>T (p.Ala183Val)

Gene: TMEM127 (transmembrane protein 127; minus strand). Cytogenetic location: 2q11.2.
Variant type: single nucleotide variant.
Coding change: c.548C>T on transcript NM_017849.4 (MANE Select); coding-DNA position 548, C replaced by T.
Protein change: p.Ala183Val; replaces alanine 183 with valine.
Molecular consequence: missense variant.
Genome position (GRCh38, 1-based): chr2:96,253,977, G>A on the plus strand (C>T on the coding strand, the complement: TMEM127 is on the minus strand). VCF-style: chr2-96253977-G-A. GRCh37 (hg19) VCF-style: chr2-96919715-G-A.
Other names: c.296C>T, p.Ala99Val (NM_001407283.1, NM_001407282.1); c.548C>T, p.Ala183Val (NM_001193304.3); short protein forms A183V, A99V.
Identifiers: ClinVar variation 3725720 (VCV003725720.2).
Genomic context (GRCh38, chr2:96,253,977, plus strand): 5'-TCCTCTGTGGGGTAGTGGCGCAGGAGGTTGGCTGCCGTGGCCAGGATTGAGGCTCCACCA[G>A]CTCCTGCCACCAGGTAGAAGCTAACGGCGAAGGTGACATAGACCTGGGATCCATGGTACT-3'
Protein context (NP_060319.1, residues 173-193): FAVSFYLVAG[Ala183Val]GGASILATAA